The following is an entry in ClinVar:

ClinVar aggregate classification (germline): Uncertain significance. Review status: criteria provided, multiple submitters, no conflicts (2 of 4 stars). 2 submissions from 2 submitters: Uncertain significance (2). Last evaluated 2024-01-15.

Conditions:
Inborn genetic diseases. Identifiers: MedGen C0950123, MeSH D030342.

Allele frequency attached by ClinVar (database versions not stated): ExAC 0.00001; gnomAD exomes 0.00001; gnomAD 0.00002; TOPMed 0.00002.
gnomAD v4.1: 16 of 1,614,056 alleles (0.00099%); highest among the groups gnomAD compares: East Asian, 0.0045%; no homozygotes.

Submissions (2):

Labcorp Genetics (formerly Invitae), Labcorp
Classification: Uncertain significance. Last evaluated: 2024-01-15. Review status: criteria provided, single submitter. Criteria: Invitae Variant Classification Sherloc (09022015). Collection method: clinical testing. Allele origin: germline.
Comment: This sequence change replaces arginine, which is basic and polar, with histidine, which is basic and polar, at codon 169 of the FLAD1 protein (p.Arg169His). This variant is present in population databases (rs768977246, gnomAD 0.01%). This variant has not been reported in the literature in individuals affected with FLAD1-related conditions. ClinVar contains an entry for this variant (Variation ID: 1899426). An algorithm developed to predict the effect of missense changes on protein structure and function (PolyPhen-2) suggests that this variant is likely to be disruptive. In summary, the available evidence is currently insufficient to determine the role of this variant in disease. Therefore, it has been classified as a Variant of Uncertain Significance.

Ambry Genetics
Classification: Uncertain significance for Inborn genetic diseases. Last evaluated: 2022-06-24. Review status: criteria provided, single submitter. Criteria: Ambry Variant Classification Scheme 2023. Collection method: clinical testing. Allele origin: germline.

NM_025207.5(FLAD1):c.506G>A (p.Arg169His)

Gene: FLAD1 (flavin adenine dinucleotide synthetase 1; plus strand). Cytogenetic location: 1q21.3.
Variant type: single nucleotide variant.
Coding change: c.506G>A on transcript NM_025207.5 (MANE Select); coding-DNA position 506, G replaced by A.
Protein change: p.Arg169His; replaces arginine 169 with histidine.
Molecular consequence: missense variant.
Genome position (GRCh38, 1-based): chr1:154,988,238, G>A. VCF-style: chr1-154988238-G-A. GRCh37 (hg19) VCF-style: chr1-154960714-G-A.
Other names: c.215G>A, p.Arg72His (NM_001184891.2, NM_201398.3); c.209G>A, p.Arg70His (NM_001184892.2); short protein forms R169H, R70H, R72H.
Identifiers: ClinVar variation 1899426 (VCV001899426.6), dbSNP rs768977246, ClinGen allele CA1134342.